The following is an entry in ClinVar:

ClinVar aggregate classification (germline): Uncertain significance (0 of 4 stars; one submission).

Conditions:
NCOA1-related disorder. Also called: NCOA1-related condition.

gnomAD v4.1: 14 of 1,613,670 alleles (0.00087%); highest among the groups gnomAD compares: African/African-American, 0.013%; no homozygotes.

Submission:

PreventionGenetics, part of Exact Sciences
Classification: Uncertain significance for NCOA1-related condition. Last evaluated: 2023-11-09. Review status: no assertion criteria provided. Collection method: clinical testing. Allele origin: germline.
Comment: The NCOA1 c.1045C>A variant is predicted to result in the amino acid substitution p.Pro349Thr. To our knowledge, this variant has not been reported in the literature. This variant is reported in 0.024% of alleles in individuals of African descent in gnomAD. At this time, the clinical significance of this variant is uncertain due to the absence of conclusive functional and genetic evidence.

NM_003743.5(NCOA1):c.1045C>A (p.Pro349Thr)

Gene: NCOA1 (nuclear receptor coactivator 1; plus strand). Cytogenetic location: 2p23.3.
Variant type: single nucleotide variant.
Coding change: c.1045C>A on transcript NM_003743.5 (MANE Select); coding-DNA position 1045, C replaced by A.
Protein change: p.Pro349Thr; replaces proline 349 with threonine.
Molecular consequence: missense variant.
Genome position (GRCh38, 1-based): chr2:24,705,181, C>A. VCF-style: chr2-24705181-C-A. GRCh37 (hg19) VCF-style: chr2-24928050-C-A.
Other names: c.1045C>A, p.Pro349Thr (NM_001362950.1, NM_001362952.1, NM_001362954.1 and 3 more transcripts); short protein forms P349T.
Identifiers: ClinVar variation 3350512 (VCV003350512.1).